The following is an entry in ClinVar:

NM_000256.3(MYBPC3):c.2056G>T (p.Ala686Ser)

Gene: MYBPC3 (myosin binding protein C3; minus strand). Cytogenetic location: 11p11.2.
Variant type: single nucleotide variant.
Coding change: c.2056G>T on transcript NM_000256.3 (MANE Select); coding-DNA position 2056, G replaced by T.
Protein change: p.Ala686Ser; replaces alanine 686 with serine.
Molecular consequence: missense variant.
Genome position (GRCh38, 1-based): chr11:47,339,662, C>A on the plus strand (G>T on the coding strand, the complement: MYBPC3 is on the minus strand). VCF-style: chr11-47339662-C-A. GRCh37 (hg19) VCF-style: chr11-47361213-C-A.
Other names: short protein forms A686S.
Identifiers: ClinVar variation 3400438 (VCV003400438.2).

ClinVar aggregate classification (germline): Uncertain significance (1 of 4 stars; one submission).

Conditions:
Cardiovascular phenotype. Identifiers: MedGen CN230736.

gnomAD v4.1: 1 of 1,603,146 alleles (0.000062%); no homozygotes.

Submission:

Ambry Genetics
Classification: Uncertain significance for Cardiovascular phenotype. Last evaluated: 2026-09-11. Review status: criteria provided, single submitter. Criteria: Ambry Variant Classification Scheme 2023. Collection method: clinical testing. Allele origin: germline.
Comment: The p.A686S variant (also known as c.2056G>T), located in coding exon 21 of the MYBPC3 gene, results from a G to T substitution at nucleotide position 2056. The alanine at codon 686 is replaced by serine, an amino acid with similar properties. This amino acid position is conserved. In addition, this alteration is predicted to be tolerated by in silico analysis. Based on the available evidence, the clinical significance of this variant remains unclear.